The following is an entry in ClinVar:

ClinVar aggregate classification (germline): Uncertain significance. Review status: criteria provided, multiple submitters, no conflicts (2 of 4 stars). 2 submissions from 2 submitters: Uncertain significance (2). Last evaluated 2025-05-17.

Conditions:
Charcot-Marie-Tooth disease type 2R. Also called: CHARCOT-MARIE-TOOTH DISEASE, AXONAL, AUTOSOMAL RECESSIVE, TYPE 2R; CHARCOT-MARIE-TOOTH NEUROPATHY, TYPE 2R; Charcot-Marie-Tooth disease, axonal, type 2R. Identifiers: Orphanet 397968, MedGen C3809655, MONDO:0014208, OMIM 615490.

Allele frequency attached by ClinVar (database versions not stated): gnomAD 0.00001; TOPMed 0.00002; gnomAD exomes 0.00008.
gnomAD v4.1: 110 of 1,544,362 alleles (0.0071%); highest among the groups gnomAD compares: Non-Finnish European, 0.0093%; no homozygotes.

Submissions (2):

Ambry Genetics
Classification: Uncertain significance. Last evaluated: 2025-05-17. Review status: criteria provided, single submitter. Criteria: Ambry Variant Classification Scheme 2023. Collection method: clinical testing. Allele origin: germline.

Labcorp Genetics (formerly Invitae), Labcorp
Classification: Uncertain significance for Charcot-Marie-Tooth disease type 2R. Last evaluated: 2023-03-20. Review status: criteria provided, single submitter. Criteria: Invitae Variant Classification Sherloc (09022015). Collection method: clinical testing. Allele origin: germline.
Comment: In summary, the available evidence is currently insufficient to determine the role of this variant in disease. Therefore, it has been classified as a Variant of Uncertain Significance. An algorithm developed to predict the effect of missense changes on protein structure and function (PolyPhen-2) suggests that this variant is likely to be tolerated. ClinVar contains an entry for this variant (Variation ID: 852005). This variant has not been reported in the literature in individuals affected with TRIM2-related conditions. This variant is present in population databases (no rsID available, gnomAD 0.007%). This sequence change replaces methionine, which is neutral and non-polar, with lysine, which is basic and polar, at codon 457 of the TRIM2 protein (p.Met457Lys).

NM_015271.5(TRIM2):c.1451T>A (p.Met484Lys)

Gene: TRIM2 (tripartite motif containing 2; plus strand). Cytogenetic location: 4q31.3.
Variant type: single nucleotide variant.
Coding change: c.1451T>A on transcript NM_015271.5 (MANE Select); coding-DNA position 1451, T replaced by A.
Protein change: p.Met484Lys; replaces methionine 484 with lysine.
Molecular consequence: missense variant.
Genome position (GRCh38, 1-based): chr4:153,295,977, T>A. VCF-style: chr4-153295977-T-A. GRCh37 (hg19) VCF-style: chr4-154217129-T-A.
Other names: c.1370T>A, p.Met457Lys (NM_001130067.2, NM_001351056.2, NM_001375512.1 and 5 more transcripts); c.1424T>A, p.Met475Lys (NM_001351054.2); c.1421T>A, p.Met474Lys (NM_001351055.2); c.995T>A, p.Met332Lys (NM_001351057.2); c.1544T>A, p.Met515Lys (NM_001375488.1); c.1541T>A, p.Met514Lys (NM_001375489.1); c.1394T>A, p.Met465Lys (NM_001375490.1); c.1391T>A, p.Met464Lys (NM_001375491.1); and 4 more; short protein forms M372K, M457K, M474K, M484K, M464K, M465K, M475K, M515K.
Identifiers: ClinVar variation 852005 (VCV000852005.10), dbSNP rs1470965446, ClinGen allele CA358473743.